The following is an entry in ClinVar:

ClinVar aggregate classification (germline): Likely pathogenic (1 of 4 stars; one submission).

Conditions:
Alport syndrome 3b, autosomal recessive. Identifiers: MedGen C5882699, MONDO:0957811, OMIM 620536.

Submission:

3billion
Classification: Likely pathogenic for Alport syndrome 3b, autosomal recessive. Last evaluated: 2024-11-25. Review status: criteria provided, single submitter. Criteria: ACMG Guidelines, 2015. Collection method: clinical testing. Allele origin: germline. Affected: yes.
Comment: The variant is not observed in the gnomAD v4.1.0 dataset. Predicted Consequence/Location: Canonical splice site: predicted to alter splicing and result in a loss or disruption of normal protein function. Multiple pathogenic loss-of-function variants are reported downstream of the variant. In silico tools predict the variant to alter splicing and produce an abnormal transcript [SpliceAI: 0.99 (spliceogenicity >=0.2, non-spliceogenicity <0.1)]. Therefore, this variant is classified as Likely pathogenic according to the recommendation of ACMG/AMP guideline.

NM_000091.5(COL4A3):c.2125+2T>C

Genes: COL4A3 (collagen type IV alpha 3 chain; plus strand), MFF-DT (MFF divergent transcript; minus strand). Cytogenetic location: 2q36.3.
Variant type: single nucleotide variant.
Coding change: c.2125+2T>C on transcript NM_000091.5 (MANE Select); the canonical splice donor site of the intron after coding-DNA position 2125, T replaced by C.
Molecular consequence: splice donor variant.
Genome position (GRCh38, 1-based): chr2:227,277,555, T>C. VCF-style: chr2-227277555-T-C. GRCh37 (hg19) VCF-style: chr2-228142271-T-C.
Identifiers: ClinVar variation 4294042 (VCV004294042.1).
Genomic context (GRCh38, chr2:227,277,555, plus strand): 5'-GCCTGATGGTGAACCAGGAATTCCAGGAATTGGATTTCCTGGGCCTCCTGGACCTAAGGG[T>C]AAATTTAAAATTTTTTCAAACATAAAGTTTGTTGTGGATATTTAGAAGATGTTCATATGT-3'